The following is an entry in ClinVar:

ClinVar aggregate classification (germline): Uncertain significance. Review status: criteria provided, multiple submitters, no conflicts (2 of 4 stars). 2 submissions from 2 submitters: Uncertain significance (2). Last evaluated 2025-12-03.

Conditions:
Inborn genetic diseases. Identifiers: MedGen C0950123, MeSH D030342.
ADCY3-related disorder. Also called: ADCY3-related condition.

gnomAD v4.1: 27 of 1,613,962 alleles (0.0017%); highest among the groups gnomAD compares: African/African-American, 0.0027%; no homozygotes.

Submissions (2):

PreventionGenetics, part of Exact Sciences
Classification: Uncertain significance for ADCY3-related condition. Last evaluated: 2025-12-03. Review status: criteria provided, single submitter. Criteria: ACMG Guidelines, 2015. Collection method: clinical testing. Allele origin: germline.
Comment: The ADCY3 c.395A>G variant is predicted to result in the amino acid substitution p.Asp132Gly. To our knowledge, this variant has not been reported in the literature. This variant is reported in 0.0062% of alleles in individuals of African descent in gnomAD. At this time, the clinical significance of this variant is uncertain due to the absence of conclusive functional and genetic evidence.

Ambry Genetics
Classification: Uncertain significance for Inborn genetic diseases. Last evaluated: 2025-11-03. Review status: criteria provided, single submitter. Criteria: Ambry Variant Classification Scheme 2023. Collection method: clinical testing. Allele origin: germline.

NM_004036.5(ADCY3):c.395A>G (p.Asp132Gly)

Gene: ADCY3 (adenylate cyclase 3; minus strand). Cytogenetic location: 2p23.3.
Variant type: single nucleotide variant.
Coding change: c.395A>G on transcript NM_004036.5 (MANE Select); coding-DNA position 395, A replaced by G.
Protein change: p.Asp132Gly; replaces aspartic acid 132 with glycine.
Molecular consequence: missense variant.
Genome position (GRCh38, 1-based): chr2:24,918,593, T>C on the plus strand (A>G on the coding strand, the complement: ADCY3 is on the minus strand). VCF-style: chr2-24918593-T-C. GRCh37 (hg19) VCF-style: chr2-25141462-T-C.
Other names: c.395A>G, p.Asp132Gly (NM_001320613.2, NM_001377128.1, NM_001377129.1 and 2 more transcripts); c.395A>G (NM_004036.3); short protein forms D132G.
Identifiers: ClinVar variation 3353158 (VCV003353158.3).